The following is an entry in ClinVar:

NM_006218.4(PIK3CA):c.2236G>A (p.Asp746Asn)

Gene: PIK3CA (phosphatidylinositol-4,5-bisphosphate 3-kinase catalytic subunit alpha; plus strand). Cytogenetic location: 3q26.32.
Variant type: single nucleotide variant.
Coding change: c.2236G>A on transcript NM_006218.4 (MANE Select); coding-DNA position 2236, G replaced by A.
Protein change: p.Asp746Asn; replaces aspartic acid 746 with asparagine.
Molecular consequence: missense variant.
Genome position (GRCh38, 1-based): chr3:179,224,129, G>A. VCF-style: chr3-179224129-G-A. GRCh37 (hg19) VCF-style: chr3-178941917-G-A.
Other names: short protein forms D746N.
Identifiers: ClinVar variation 3906595 (VCV003906595.1).

ClinVar aggregate classification (germline): Uncertain significance (1 of 4 stars; one submission).

Submission:

GeneDx
Classification: Uncertain significance. Last evaluated: 2024-12-14. Review status: criteria provided, single submitter. Criteria: GeneDx Variant Classification Process June 2021. Collection method: clinical testing. Allele origin: germline. Affected: yes.
Comment: Not observed at significant frequency in large population cohorts (gnomAD); In silico analysis indicates that this missense variant does not alter protein structure/function; Has not been previously published as pathogenic or benign to our knowledge